The following is an entry in ClinVar:

ClinVar aggregate classification (germline): Uncertain significance (1 of 4 stars; one submission).

Submission:

CeGaT Center for Human Genetics Tuebingen
Classification: Uncertain significance. Last evaluated: 2024-04-01. Review status: criteria provided, single submitter. Criteria: CeGaT Center For Human Genetics Tuebingen Variant Classification Criteria Version 2. Collection method: clinical testing. Allele origin: germline. Affected: yes. Observed: 1 variant allele.
Comment: GRIN2B: PM2, PM4

NM_000834.5(GRIN2B):c.3781_3789del (p.Gln1261_Leu1263del)

Gene: GRIN2B (glutamate ionotropic receptor NMDA type subunit 2B; minus strand). Cytogenetic location: 12p13.1.
Variant type: Deletion.
Coding change: c.3781_3789del on transcript NM_000834.5 (MANE Select); coding-DNA positions 3781 to 3789, 9 bases deleted (CAGGAACTG; older notation c.3781_3789delCAGGAACTG).
Protein change: p.Gln1261_Leu1263del.
Molecular consequence: inframe deletion.
Genome position (GRCh38, 1-based): chr12:13,563,449-13,563,457, CAGTTCCTG deleted on the plus strand (CAGGAACTG on the coding strand, the reverse complement: GRIN2B is on the minus strand); deleting any 9 consecutive bases within chr12:13,563,449-13,563,460 gives the same sequence; the c. name uses the placement nearest the transcript's 3' end. VCF-style (leftmost placement, unchanged base first): chr12-13563448-CCAGTTCCTG-C. GRCh37 (hg19) VCF-style: chr12-13716382-CCAGTTCCTG-C.
Other names: c.3781_3789del, p.Gln1261_Leu1263del (NM_001413992.1).
Identifiers: ClinVar variation 3234738 (VCV003234738.20), dbSNP rs2497467165, ClinGen allele CA2617718798.